The following is an entry in ClinVar:

NM_003242.6(TGFBR2):c.1139T>A (p.Leu380His)

Gene: TGFBR2 (transforming growth factor beta receptor 2; plus strand). Cytogenetic location: 3p24.1.
Variant type: single nucleotide variant.
Coding change: c.1139T>A on transcript NM_003242.6 (MANE Select); coding-DNA position 1139, T replaced by A.
Protein change: p.Leu380His; replaces leucine 380 with histidine.
Molecular consequence: missense variant. On other transcripts: intron variant (1).
Genome position (GRCh38, 1-based): chr3:30,672,322, T>A. VCF-style: chr3-30672322-T-A. GRCh37 (hg19) VCF-style: chr3-30713814-T-A.
Other names: c.1214T>A, p.Leu405His (NM_001024847.3); c.1322T>A, p.Leu441His (NM_001407126.1); c.1247T>A, p.Leu416His (NM_001407127.1); c.1166T>A, p.Leu389His (NM_001407128.1); c.1142T>A, p.Leu381His (NM_001407129.1); c.1139T>A, p.Leu380His (NM_001407130.1); c.1034T>A, p.Leu345His (NM_001407132.1, NM_001407133.1, NM_001407134.1 and 2 more transcripts); c.854T>A, p.Leu285His (NM_001407137.1); and 2 more; short protein forms L260H, L285H, L345H, L380H, L381H, L389H, L405H, L416H.
Identifiers: ClinVar variation 4801612 (VCV004801612.1).

ClinVar aggregate classification (germline): Uncertain significance (1 of 4 stars; one submission).

Conditions:
Familial thoracic aortic aneurysm and aortic dissection (TAAD). Also called: Thoracic aortic aneurysms and dissections. Identifiers: Orphanet 91387, MedGen C4707243, MONDO:0019625.

Submission:

Labcorp Genetics (formerly Invitae), Labcorp
Classification: Uncertain significance for Familial thoracic aortic aneurysm and aortic dissection. Last evaluated: 2026-01-06. Review status: criteria provided, single submitter. Criteria: Invitae Variant Classification Sherloc (09022015). Collection method: clinical testing. Allele origin: germline.
Comment: This sequence change replaces leucine, which is neutral and non-polar, with histidine, which is basic and polar, at codon 380 of the TGFBR2 protein (p.Leu380His). This variant is not present in population databases (gnomAD no frequency). This missense change has been observed in individual(s) with symptoms of TGFBR2-related conditions (internal data). Invitae Evidence Modeling of protein sequence and biophysical properties (such as structural, functional, and spatial information, amino acid conservation, physicochemical variation, residue mobility, and thermodynamic stability) indicates that this missense variant is expected to disrupt TGFBR2 protein function with a positive predictive value of 95%. This variant disrupts the p.Leu380 amino acid residue in TGFBR2. Other variant(s) that disrupt this residue have been observed in individuals with TGFBR2-related conditions (PMID: 26877057), which suggests that this may be a clinically significant amino acid residue. In summary, the available evidence is currently insufficient to determine the role of this variant in disease. Therefore, it has been classified as a Variant of Uncertain Significance.

Literature cited by the submitters: PubMed 26877057.